The following is an entry in ClinVar:

ClinVar aggregate classification (germline): Pathogenic (1 of 4 stars; one submission).

Conditions:
Nemaline myopathy 2 (NEM2). Also called: Nemaline myopathy 2, autosomal recessive. Identifiers: MedGen C1850569, MONDO:0009725, OMIM 256030.

Submission:

Labcorp Genetics (formerly Invitae), Labcorp
Classification: Pathogenic for Nemaline myopathy 2. Last evaluated: 2022-11-29. Review status: criteria provided, single submitter. Criteria: Invitae Variant Classification Sherloc (09022015). Collection method: clinical testing. Allele origin: germline.
Comment: For these reasons, this variant has been classified as Pathogenic. ClinVar contains an entry for this variant (Variation ID: 1451595). This variant has not been reported in the literature in individuals affected with NEB-related conditions. This variant is not present in population databases (gnomAD no frequency). This sequence change creates a premature translational stop signal (p.Ser2035Phefs*2) in the NEB gene. It is expected to result in an absent or disrupted protein product. Loss-of-function variants in NEB are known to be pathogenic (PMID: 25205138).

Literature cited by the submitters: PubMed 25205138.

NM_001164508.2(NEB):c.6103dup (p.Ser2035fs)

Gene: NEB (nebulin; minus strand). Cytogenetic location: 2q23.3.
Variant type: Duplication.
Coding change: c.6103dup on transcript NM_001164508.2 (MANE Select); coding-DNA position 6103, one base duplicated (T; older notation c.6103dupT).
Protein change: p.Ser2035fs; shifts the reading frame from serine 2035.
Molecular consequence: frameshift variant.
Genome position (GRCh38, 1-based): chr2:151,658,063, A duplicated on the plus strand (T on the coding strand, the reverse complement: NEB is on the minus strand). VCF-style (leftmost placement, unchanged base first): chr2-151658062-G-GA. GRCh37 (hg19) VCF-style: chr2-152514576-G-GA.
Other names: c.6103dup, p.Ser2035fs (NM_001164507.2, NM_001271208.2, NM_004543.5); short protein forms S2035fs.
Identifiers: ClinVar variation 1451595 (VCV001451595.6), dbSNP rs2154154153, ClinGen allele CA2573133225.